The following is an entry in ClinVar:

NM_000321.3(RB1):c.62C>G (p.Pro21Arg)

Gene: RB1 (RB transcriptional corepressor 1; plus strand). Cytogenetic location: 13q14.2.
Variant type: single nucleotide variant.
Coding change: c.62C>G on transcript NM_000321.3 (MANE Select); coding-DNA position 62, C replaced by G.
Protein change: p.Pro21Arg; replaces proline 21 with arginine.
Molecular consequence: missense variant.
Genome position (GRCh38, 1-based): chr13:48,303,974, C>G. VCF-style: chr13-48303974-C-G. GRCh37 (hg19) VCF-style: chr13-48878110-C-G.
Other names: c.62C>G (NM_000321.2); short protein forms P21R.
Identifiers: ClinVar variation 1055369 (VCV001055369.11), dbSNP rs1444353743, ClinGen allele CA388250250.

ClinVar aggregate classification (germline): Uncertain significance. Review status: criteria provided, multiple submitters, no conflicts (2 of 4 stars). 3 submissions from 3 submitters: Uncertain significance (3). Last evaluated 2024-04-11.

Conditions:
Hereditary cancer-predisposing syndrome. Also called: Hereditary Cancer Syndrome; Tumor predisposition; Hereditary neoplastic syndrome; Neoplastic Syndromes, Hereditary. Identifiers: Orphanet 140162, MedGen C0027672, MeSH D009386, MONDO:0015356.
Retinoblastoma (RB1). Also called: RETINOBLASTOMA, SOMATIC. Identifiers: Orphanet 790, MedGen C0035335, MeSH D012175, MONDO:0008380, OMIM 180200, HP:0009919. Disease mechanism: loss of function. Inheritance: Both sporadic and heritable forms are tested..

gnomAD v4.1: 1 of 1,502,710 alleles (0.000067%); highest among the groups gnomAD compares: Non-Finnish European, 0.000088%; no homozygotes.

Submissions (3):

Ambry Genetics
Classification: Uncertain significance for Hereditary cancer-predisposing syndrome. Last evaluated: 2024-04-11. Review status: criteria provided, single submitter. Criteria: Ambry Variant Classification Scheme 2023. Collection method: clinical testing. Allele origin: germline.
Comment: The p.P21R variant (also known as c.62C>G), located in coding exon 1 of the RB1 gene, results from a C to G substitution at nucleotide position 62. The proline at codon 21 is replaced by arginine, an amino acid with dissimilar properties. This amino acid position is conserved. In addition, the in silico prediction for this alteration is inconclusive. Based on the available evidence, the clinical significance of this variant remains unclear.

All of Us Research Program, National Institutes of Health
Classification: Uncertain significance for Retinoblastoma. Last evaluated: 2023-08-15. Review status: criteria provided, single submitter. Criteria: ACMG Guidelines, 2015. Collection method: clinical testing. Allele origin: germline. Inheritance: Autosomal dominant inheritance. Observed: 1 variant allele, 1 heterozygote.
Comment: This study involves interpretation of variants in research participants for the purpose of population health screening. Participant phenotype was not available at the time of variant classification. Additional details can be found in publication PMID: 35346344, PMCID: PMC8962531

Labcorp Genetics (formerly Invitae), Labcorp
Classification: Uncertain significance for Retinoblastoma. Last evaluated: 2021-07-09. Review status: criteria provided, single submitter. Criteria: Invitae Variant Classification Sherloc (09022015). Collection method: clinical testing. Allele origin: germline.
Comment: This sequence change replaces proline with arginine at codon 21 of the RB1 protein (p.Pro21Arg). The proline residue is moderately conserved and there is a moderate physicochemical difference between proline and arginine. The frequency data for this variant in the population databases is considered unreliable, as metrics indicate insufficient coverage at this position in the ExAC database. This variant has not been reported in the literature in individuals with RB1-related conditions. In summary, the available evidence is currently insufficient to determine the role of this variant in disease. Therefore, it has been classified as a Variant of Uncertain Significance.